The following is an entry in ClinVar:

ClinVar aggregate classification (germline): Uncertain significance (1 of 4 stars; one submission).

gnomAD v4.1: 7 of 1,543,966 alleles (0.00045%); highest among the groups gnomAD compares: African/African-American, 0.0027%; no homozygotes.

Submission:

Labcorp Genetics (formerly Invitae), Labcorp
Classification: Uncertain significance. Last evaluated: 2022-07-19. Review status: criteria provided, single submitter. Criteria: Invitae Variant Classification Sherloc (09022015). Collection method: clinical testing. Allele origin: germline.
Comment: This sequence change replaces leucine, which is neutral and non-polar, with phenylalanine, which is neutral and non-polar, at codon 2427 of the OTOG protein (p.Leu2427Phe). In summary, the available evidence is currently insufficient to determine the role of this variant in disease. Therefore, it has been classified as a Variant of Uncertain Significance. Algorithms developed to predict the effect of missense changes on protein structure and function output the following: SIFT: "Tolerated"; PolyPhen-2: "Benign"; Align-GVGD: "Class C0". The phenylalanine amino acid residue is found in multiple mammalian species, which suggests that this missense change does not adversely affect protein function. This variant has not been reported in the literature in individuals affected with OTOG-related conditions. This variant is not present in population databases (gnomAD no frequency).

NM_001292063.2(OTOG):c.7243C>T (p.Leu2415Phe)

Gene: OTOG (otogelin; plus strand). Cytogenetic location: 11p15.1.
Variant type: single nucleotide variant.
Coding change: c.7243C>T on transcript NM_001292063.2 (MANE Select); coding-DNA position 7243, C replaced by T.
Protein change: p.Leu2415Phe; replaces leucine 2415 with phenylalanine.
Molecular consequence: missense variant.
Genome position (GRCh38, 1-based): chr11:17,633,850, C>T. VCF-style: chr11-17633850-C-T. GRCh37 (hg19) VCF-style: chr11-17655397-C-T.
Other names: c.7279C>T, p.Leu2427Phe (NM_001277269.2); short protein forms L2415F, L2427F.
Identifiers: ClinVar variation 1953470 (VCV001953470.5), dbSNP rs367614431, ClinGen allele CA379811697.